The following is an entry in ClinVar:

ClinVar aggregate classification (germline): Likely benign (1 of 4 stars; one submission).

Submission:

Women's Health and Genetics/Laboratory Corporation of America, LabCorp
Classification: Likely benign. Last evaluated: 2026-01-27. Review status: criteria provided, single submitter. Criteria: LabCorp Variant Classification Summary - May 2015. Collection method: clinical testing. Allele origin: germline.
Comment: Variant summary: GH1 c.267C>T results in a synonymous change. Consensus agreement among computation tools predict no significant impact on normal splicing. However, these predictions have yet to be confirmed by functional studies. The variant was absent in 251460 control chromosomes. The available data on variant occurrences in the general population are insufficient to allow any conclusion about variant significance. To our knowledge, no occurrence of c.267C>T in individuals affected with GH1-related conditions and no experimental evidence demonstrating its impact on protein function have been reported. No submitters have cited clinical-significance assessments for this variant to ClinVar. Based on the evidence outlined above, the variant was classified as likely benign.

NM_000515.5(GH1):c.267C>T (p.Asn89=)

Genes: GH-LCR (growth hormone locus control region; plus strand), GH1 (growth hormone 1; minus strand). Cytogenetic location: 17q23.3.
Variant type: single nucleotide variant.
Coding change: c.267C>T on transcript NM_000515.5 (MANE Select); coding-DNA position 267, C replaced by T.
Protein change: p.Asn89=; no amino-acid change (asparagine 89 retained).
Molecular consequence: synonymous variant. On other transcripts: intron variant (1).
Genome position (GRCh38, 1-based): chr17:63,918,041, G>A on the plus strand (C>T on the coding strand, the complement: GH1 is on the minus strand). VCF-style: chr17-63918041-G-A. GRCh37 (hg19) VCF-style: chr17-61995401-G-A.
Other names: c.222C>T, p.Asn74= (NM_022559.4); c.172-117C>T (NM_022560.4).
Identifiers: ClinVar variation 4689537 (VCV004689537.1).
Genomic context (GRCh38, chr17:63,918,041, plus strand): 5'-CCCCCATCCCCGCCTGGGGAGAAGGCATCCACTCACGGATTTCTGTTGTGTTTCCTCCCT[G>A]TTGGAGGGTGTCGGAATAGACTCTGAGAAACAGAGGGAGGTCTGGGGGTTCTGCAGGAAT-3'
Protein context (NP_000506.2, residues 79-99): CFSESIPTPS[Asn89=]REETQQKSNL